The following is an entry in ClinVar:

NM_001400225.1(MGA):c.1879C>T (p.Arg627Ter)

Gene: MGA (MAX dimerization protein MGA; plus strand). Cytogenetic location: 15q15.1.
Variant type: single nucleotide variant.
Coding change: c.1879C>T on transcript NM_001400225.1 (MANE Select); coding-DNA position 1879, C replaced by T.
Protein change: p.Arg627Ter; replaces arginine 627 with a stop codon.
Molecular consequence: nonsense.
Genome position (GRCh38, 1-based): chr15:41,696,889, C>T. VCF-style: chr15-41696889-C-T. GRCh37 (hg19) VCF-style: chr15-41989087-C-T.
Other names: c.1879C>T, p.Arg627Ter (NM_001080541.3, NM_001164273.2, NM_001400242.1); short protein forms R627*.
Identifiers: ClinVar variation 3337992 (VCV003337992.1).

ClinVar aggregate classification (germline): Uncertain significance (1 of 4 stars; one submission).

Conditions:
MGA related disorder.

Submission:

GeneDx
Classification: Uncertain significance for MGA related disorder. Last evaluated: 2024-07-30. Review status: criteria provided, single submitter. Criteria: GeneDx Variant Classification Process June 2021. Collection method: clinical testing. Allele origin: germline. Affected: yes.